The following is an entry in ClinVar:

ClinVar aggregate classification (germline): Likely benign (1 of 4 stars; one submission).

gnomAD v4.1: 14 of 1,544,970 alleles (0.00091%); highest among the groups gnomAD compares: East Asian, 0.019%; no homozygotes.

Submission:

Mayo Clinic Laboratories, Mayo Clinic
Classification: Likely benign. Last evaluated: 2025-04-15. Review status: criteria provided, single submitter. Criteria: ACMG Guidelines, 2015. Collection method: clinical testing. Allele origin: germline. Observed: 1 variant allele.
Comment: BP4, BP7, PM2_supporting

NM_001374504.1(TMPRSS6):c.2100C>T (p.Ala700=)

Gene: TMPRSS6 (transmembrane serine protease 6; minus strand). Cytogenetic location: 22q12.3.
Variant type: single nucleotide variant.
Coding change: c.2100C>T on transcript NM_001374504.1 (MANE Select); coding-DNA position 2100, C replaced by T.
Protein change: p.Ala700=; no amino-acid change (alanine 700 retained).
Molecular consequence: synonymous variant.
Genome position (GRCh38, 1-based): chr22:37,069,086, G>A on the plus strand (C>T on the coding strand, the complement: TMPRSS6 is on the minus strand). VCF-style: chr22-37069086-G-A. GRCh37 (hg19) VCF-style: chr22-37465126-G-A.
Other names: p.Ala709=; c.2100C>T, p.Ala700= (NM_001289000.2, NM_001289001.2, NM_153609.4).
Identifiers: ClinVar variation 4684483 (VCV004684483.1).
Genomic context (GRCh38, chr22:37,069,086, plus strand): 5'-TCCGCACGGTCTCCCTCCGCCTCCCGCCGCAAGTCCCCGCTGCTCACCGCCCTCGCGCAA[G>A]GCGCCCCAGCCCGTAATCCAGCAGTGCAGGCCGGGCTCGAAGAAGTGGGAGCGCGCGGGC-3'
Protein context (NP_001361433.1, residues 690-710): GLHCWITGWG[Ala700=]LREGGPISNA